The following is an entry in ClinVar:

ClinVar aggregate classification (germline): Pathogenic (1 of 4 stars; one submission).

Submission:

Labcorp Genetics (formerly Invitae), Labcorp
Classification: Pathogenic. Last evaluated: 2022-12-23. Review status: criteria provided, single submitter. Criteria: Invitae Variant Classification Sherloc (09022015). Collection method: clinical testing. Allele origin: unknown.
Comment: For these reasons, this variant has been classified as Pathogenic. This variant disrupts a region of the F11 protein in which other variant(s) (p.Gly478Arg) have been determined to be pathogenic (PMID: 15842381, 16079124, 16835901, 19652879, 26558335). This suggests that this is a clinically significant region of the protein, and that variants that disrupt it are likely to be disease-causing. A similar copy number variant has been observed in individual(s) with autosomal recessive factor XI deficiency (PMID: 18024374). This variant is a gross deletion of the genomic region encompassing exon(s) 11-15 of the F11 gene, which includes the termination codon. This deletion extends beyond the assayed region for this gene and therefore may encompass additional genes. While this deletion is not anticipated to lead to nonsense mediated decay, it is expected to alter mRNA translation or result in a truncated protein product.

Literature cited by the submitters: PubMed 15842381; PubMed 16079124; PubMed 16835901; PubMed 19652879; PubMed 26558335; PubMed 18024374.

NC_000004.11:g.(?_187205226)_(187209969_?)del

Gene: F11 (coagulation factor XI; plus strand). Cytogenetic location: 4q35.2.
Variant type: Deletion.
Identifiers: ClinVar variation 3246700 (VCV003246700.1).